The following is an entry in ClinVar:

NM_001360016.2(G6PD):c.962G>T (p.Gly321Val)

Gene: G6PD (glucose-6-phosphate dehydrogenase; minus strand). Cytogenetic location: Xq28.
Variant type: single nucleotide variant.
Coding change: c.962G>T on transcript NM_001360016.2 (MANE Select); coding-DNA position 962, G replaced by T.
Protein change: p.Gly321Val; replaces glycine 321 with valine.
Molecular consequence: missense variant.
Genome position (GRCh38, 1-based): chrX:154,533,031, C>A on the plus strand (G>T on the coding strand, the complement: G6PD is on the minus strand). VCF-style: chrX-154533031-C-A. GRCh37 (hg19) VCF-style: chrX-153761246-C-A.
Other names: G6PD Bhavnagar; c.1052G>T, p.Gly351Val (NM_000402.4); c.962G>T, p.Gly321Val (NM_001042351.3); short protein forms G321V, G351V.
Identifiers: ClinVar variation 3339509 (VCV003339509.1).

ClinVar aggregate classification (germline): Likely pathogenic (1 of 4 stars; one submission).

Conditions:
Anemia, nonspherocytic hemolytic, due to G6PD deficiency (CNSHA1). Also called: Hemolytic anemia due to G6PD deficiency; Class I glucose-6-phosphate dehydrogenase deficiency; Favism, susceptibility to; ANEMIA, CONGENITAL, NONSPHEROCYTIC HEMOLYTIC, 1. Identifiers: Orphanet 466026, MedGen C2720289, MONDO:0010480, OMIM 300908.

Submission:

Dunham Lab, University of Washington
Classification: Likely pathogenic for Anemia, nonspherocytic hemolytic, due to G6PD deficiency. Last evaluated: 2024-09-01. Review status: criteria provided, single submitter. Criteria: ACMG Guidelines, 2015. Collection method: curation. Allele origin: unknown. Affected: yes.
Comment: Hemizygote has 3.3% normal activity in RBCs. Increased Km for G6P, NADP and substrate analogue utilization with decreased thermostability and a bimodal pH curve along with normal electrophoretic mobility (PS3). PolyPhen, SIFT, and I-Mutant predict damaging (PP3). Not found in gnomAD (PM2). Post_P 0.975 (odds of pathogenicity 350.3, Prior_P 0.1).

Literature cited by the submitters: PubMed 30988594.